The following is an entry in ClinVar:

ClinVar aggregate classification (germline): Likely pathogenic (1 of 4 stars; one submission).

Conditions:
Menkes kinky-hair syndrome (MNK). Also called: Copper transport disease; Classic Menkes Disease; Menkes Disease. Identifiers: Orphanet 565, MedGen C0022716, MONDO:0010651, OMIM 309400.

Submission:

Myriad Genetics, Inc.
Classification: Likely pathogenic for Menkes kinky-hair syndrome. Last evaluated: 2022-05-18. Review status: criteria provided, single submitter. Criteria: Myriad Autosomal Dominant, Autosomal Recessive and X-Linked Classification Criteria (2023). Collection method: clinical testing. Allele origin: unknown.
Comment: NM_000052.5(ATP7A):c.1172delG(C391Lfs*15) is expected to be pathogenic in the context of ATP7A-related disorders. This variant is predicted to lead to an abnormal or absent protein product due to the creation of a premature termination codon in ATP7A, a gene where loss-of-function variants are known to be pathogenic. Please note: this variant was assessed in the context of healthy population screening.

NM_000052.7(ATP7A):c.1172del (p.Cys391fs)

Gene: ATP7A (ATPase copper transporting alpha; plus strand). Cytogenetic location: Xq21.1.
Variant type: Deletion.
Coding change: c.1172del on transcript NM_000052.7 (MANE Select); coding-DNA position 1172, one base deleted (G; older notation c.1172delG).
Protein change: p.Cys391fs; shifts the reading frame from cysteine 391.
Molecular consequence: frameshift variant.
Genome position (GRCh38, 1-based): chrX:77,989,794, G deleted. VCF-style (leftmost placement, unchanged base first): chrX-77989793-TG-T. GRCh37 (hg19) VCF-style: chrX-77245289-TG-T.
Other names: c.1172del, p.Cys391fs (NM_001282224.2); short protein forms C391fs.
Identifiers: ClinVar variation 1726143 (VCV001726143.3), dbSNP rs2522294894, ClinGen allele CA2580101475.